The following is an entry in ClinVar:

NM_005045.4(RELN):c.524A>G (p.Gln175Arg)

Gene: RELN (reelin; minus strand). Cytogenetic location: 7q22.1.
Variant type: single nucleotide variant.
Coding change: c.524A>G on transcript NM_005045.4 (MANE Select); coding-DNA position 524, A replaced by G.
Protein change: p.Gln175Arg; replaces glutamine 175 with arginine.
Molecular consequence: missense variant.
Genome position (GRCh38, 1-based): chr7:103,776,577, T>C on the plus strand (A>G on the coding strand, the complement: RELN is on the minus strand). VCF-style: chr7-103776577-T-C. GRCh37 (hg19) VCF-style: chr7-103417024-T-C.
Other names: c.524A>G, p.Gln175Arg (NM_173054.3); short protein forms Q175R.
Identifiers: ClinVar variation 2189351 (VCV002189351.4), dbSNP rs1791748490, ClinGen allele CA368930517.

ClinVar aggregate classification (germline): Uncertain significance (1 of 4 stars; one submission).

Conditions:
Norman-Roberts syndrome (LIS2). Also called: Lissencephaly 2 (Norman-Roberts type). Identifiers: Orphanet 89844, MedGen C0796089, MONDO:0009760, OMIM 257320.
Familial temporal lobe epilepsy 7. Identifiers: Orphanet 101046, MedGen C4225327, MONDO:0014639, OMIM 616436.

Allele frequency attached by ClinVar (database versions not stated): TOPMed below 0.00001.

Submission:

Labcorp Genetics (formerly Invitae), Labcorp
Classification: Uncertain significance for Familial temporal lobe epilepsy 7; Norman-Roberts syndrome. Last evaluated: 2021-12-01. Review status: criteria provided, single submitter. Criteria: Invitae Variant Classification Sherloc (09022015). Collection method: clinical testing. Allele origin: germline.
Comment: In summary, the available evidence is currently insufficient to determine the role of this variant in disease. Therefore, it has been classified as a Variant of Uncertain Significance. This sequence change replaces glutamine, which is neutral and polar, with arginine, which is basic and polar, at codon 175 of the RELN protein (p.Gln175Arg). This variant is not present in population databases (gnomAD no frequency). This variant has not been reported in the literature in individuals affected with RELN-related conditions. Algorithms developed to predict the effect of missense changes on protein structure and function are either unavailable or do not agree on the potential impact of this missense change (SIFT: "Deleterious"; PolyPhen-2: "Benign"; Align-GVGD: "Class C0").